The following is an entry in ClinVar:

ClinVar aggregate classification (germline): Pathogenic/Likely pathogenic. Review status: criteria provided, multiple submitters, no conflicts (2 of 4 stars). 8 submissions from 8 submitters: Pathogenic (6); Likely pathogenic (1). 1 of the submissions does not count toward it. Last evaluated 2025-02-12.

Conditions:
Glutaric aciduria, type 1. Also called: Glutaricacidemia Type 1; Glutaricaciduria, type I; Glutaric Acidemia Type 1; Glutaryl-CoA dehydrogenase deficiency; GA I; Glutaric acidemia type I. Identifiers: Orphanet 25, MedGen C0268595, MONDO:0009281, OMIM 231670.

Allele frequency attached by ClinVar (database versions not stated): gnomAD 0.00001; 1000 Genomes Project 30x 0.00031; 1000 Genomes Project 0.00020.
gnomAD v4.1: 15 of 1,613,826 alleles (0.00093%); highest among the groups gnomAD compares: East Asian, 0.0022%; no homozygotes.

Submissions (8):

Natera, Inc.
Classification: Pathogenic for Glutaric acidemia type 1. Last evaluated: 2025-02-12. Review status: criteria provided, single submitter. Criteria: Natera Variant Classification Schema (03/2026). Collection method: clinical testing. Allele origin: germline.
Comment: The c.395G>A variant in GCDH is a missense variant predicted to cause substitution of arginine to glutamine at amino acid 132. This variant is rare in the general population with a frequency below the threshold expected for the associated phenotype(s). This variant has been observed in one or more individuals affected with the associated recessive disease, as either homozygous or compound heterozygous with a second variant (PMID: 30904546, 24332224). Given the available evidence, this variant is classified as Pathogenic.

Baylor Genetics
Classification: Pathogenic for Glutaric aciduria, type 1. Last evaluated: 2024-02-12. Review status: criteria provided, single submitter. Criteria: ACMG Guidelines, 2015. Collection method: clinical testing. Allele origin: unknown.

Labcorp Genetics (formerly Invitae), Labcorp
Classification: Pathogenic for Glutaric aciduria, type 1. Last evaluated: 2024-01-04. Review status: criteria provided, single submitter. Criteria: Invitae Variant Classification Sherloc (09022015). Collection method: clinical testing. Allele origin: germline.
Comment: This sequence change replaces arginine, which is basic and polar, with glutamine, which is neutral and polar, at codon 132 of the GCDH protein (p.Arg132Gln). This variant is not present in population databases (gnomAD no frequency). This missense change has been observed in individual(s) with glutaryl-CoA dehydrogenase deficiency (PMID: 10699052, 10960496, 24332224, 34344405; Invitae). In at least one individual the data is consistent with being in trans (on the opposite chromosome) from a pathogenic variant. ClinVar contains an entry for this variant (Variation ID: 377917). Advanced modeling of protein sequence and biophysical properties (such as structural, functional, and spatial information, amino acid conservation, physicochemical variation, residue mobility, and thermodynamic stability) has been performed at Invitae for this missense variant, however the output from this modeling did not meet the statistical confidence thresholds required to predict the impact of this variant on GCDH protein function. For these reasons, this variant has been classified as Pathogenic.

Fulgent Genetics
Classification: Likely pathogenic for Glutaric aciduria, type 1. Last evaluated: 2018-10-31. Review status: criteria provided, single submitter. Criteria: ACMG Guidelines, 2015. Collection method: clinical testing. Allele origin: unknown.

GeneDx
Classification: Pathogenic. Last evaluated: 2017-01-11. Review status: criteria provided, single submitter. Criteria: GeneDx Variant Classification (06012015). Collection method: clinical testing. Allele origin: germline. Affected: yes.
Comment: The R132Q variant in the GCDH gene has previously been reported in association with GA1 in several unrelated individuals (Zschocke et al., 2000; Busquets et al., 2000; Wang et al., 2013). The R132Q variant is a semi-conservative amino acid substitution, which may impact secondary protein structure as these residues differ in some properties. Additionally, this substitution occurs at a position that is conserved across species, and in silico analysis predicts this variant is probably damaging to the protein structure/function. Therefore, we interpret R132Q to be a pathogenic variant.

Clinical Genetics Service, Universitary Hospital 12 de Octubre
Classification: Pathogenic for Glutaric aciduria, type 1. Review status: criteria provided, single submitter. Criteria: ACMG Guidelines, 2015. Collection method: clinical testing. Allele origin: maternal. Affected: yes.

Juno Genomics, Hangzhou Juno Genomics, Inc
Classification: Pathogenic for Glutaric aciduria, type 1. Review status: criteria provided, single submitter. Criteria: ACMG Guidelines, 2015. Collection method: clinical testing. Allele origin: germline.
Comment: Absent from controls (or at extremely low frequency if recessive) in Genome Aggregation Database.;Multiple lines of computational evidence support a deleterious effect on the gene or gene product.;For recessive disorders, detected in trans with a pathogenic variant.

Counsyl
Classification: Likely pathogenic for Glutaric aciduria, type 1. Last evaluated: 2019-01-09. Review status: no assertion criteria provided. Collection method: clinical testing. Allele origin: unknown. Not counted in ClinVar's aggregate classification.

Literature cited by the submitters: PubMed 30904546 (cited by Natera, Inc.); PubMed 24332224 (cited by 3 submitters); PubMed 10699052 (cited by Labcorp Genetics (formerly Invitae), Labcorp and Counsyl); PubMed 10960496 (cited by Labcorp Genetics (formerly Invitae), Labcorp and Counsyl); PubMed 34344405 (cited by Labcorp Genetics (formerly Invitae), Labcorp); PubMed 25255367 (cited by Counsyl).

NM_000159.4(GCDH):c.395G>A (p.Arg132Gln)

Gene: GCDH (glutaryl-CoA dehydrogenase; plus strand). Cytogenetic location: 19p13.13.
Variant type: single nucleotide variant.
Coding change: c.395G>A on transcript NM_000159.4 (MANE Select); coding-DNA position 395, G replaced by A.
Protein change: p.Arg132Gln; replaces arginine 132 with glutamine.
Molecular consequence: missense variant. On other transcripts: non-coding transcript variant (2).
Genome position (GRCh38, 1-based): chr19:12,893,543, G>A. VCF-style: chr19-12893543-G-A. GRCh37 (hg19) VCF-style: chr19-13004357-G-A.
Other names: c.395G>A, p.Arg132Gln (NM_013976.5); short protein forms R132Q.
Identifiers: ClinVar variation 377917 (VCV000377917.20), dbSNP rs200639270, ClinGen allele CA16608038.